The following is an entry in ClinVar:

ClinVar aggregate classification (germline): Likely benign. Review status: criteria provided, multiple submitters, no conflicts (2 of 4 stars). 5 submissions from 5 submitters: Likely benign (4). 1 of the submissions does not count toward it. Last evaluated 2025-07-08.

Conditions:
MFSD8-related disorder. Also called: MFSD8-related condition.
Neuronal ceroid lipofuscinosis 7 (CLN7). Also called: MFSD8-Related Neuronal Ceroid-Lipofuscinosis. Identifiers: Orphanet 168491, Orphanet 228366, MedGen C1838571, MONDO:0012588, OMIM 610951.
Late-infantile neuronal ceroid lipofuscinosis. Also called: Jansky-Bielschowsky disease. Identifiers: MedGen C0022340, MONDO:0015674.

Allele frequency attached by ClinVar (database versions not stated): gnomAD exomes below 0.00001 and 0.00002; gnomAD 0.00001 and 0.00002; ExAC 0.00002; TOPMed 0.00003; ESP Exome Variant Server 0.00008.
gnomAD v4.1: 37 of 1,614,054 alleles (0.0023%); highest among the groups gnomAD compares: Non-Finnish European, 0.0025%; no homozygotes.

Submissions (5):

Labcorp Genetics (formerly Invitae), Labcorp
Classification: Likely benign for Neuronal ceroid lipofuscinosis 7. Last evaluated: 2025-07-08. Review status: criteria provided, single submitter. Criteria: Invitae Variant Classification Sherloc (09022015). Collection method: clinical testing. Allele origin: germline.

PreventionGenetics, part of Exact Sciences
Classification: Likely benign for MFSD8-related condition. Last evaluated: 2025-01-07. Review status: criteria provided, single submitter. Criteria: ACMG Guidelines, 2015. Collection method: clinical testing. Allele origin: germline.
Comment: This variant is classified as likely benign based on ACMG/AMP sequence variant interpretation guidelines (Richards et al. 2015 PMID: 25741868, with internal and published modifications).

Blueprint Genetics
Classification: Likely benign. Last evaluated: 2022-02-16. Review status: criteria provided, single submitter. Criteria: ACMG Guidelines, 2015. Collection method: clinical testing. Allele origin: germline.

GeneDx
Classification: Likely benign. Last evaluated: 2019-12-27. Review status: criteria provided, single submitter. Criteria: GeneDx Variant Classification Process June 2021. Collection method: clinical testing. Allele origin: germline. Affected: yes.

Natera, Inc.
Classification: Likely benign for Late-infantile neuronal ceroid lipofuscinosis. Last evaluated: 2020-03-29. Review status: no assertion criteria provided. Collection method: clinical testing. Allele origin: germline. Not counted in ClinVar's aggregate classification.

NM_001371596.2(MFSD8):c.1068T>C (p.Pro356=)

Gene: MFSD8 (major facilitator superfamily domain containing 8; minus strand). Cytogenetic location: 4q28.2.
Variant type: single nucleotide variant.
Coding change: c.1068T>C on transcript NM_001371596.2 (MANE Select); coding-DNA position 1068, T replaced by C.
Protein change: p.Pro356=; no amino-acid change (proline 356 retained).
Molecular consequence: synonymous variant. On other transcripts: intron variant (1).
Genome position (GRCh38, 1-based): chr4:127,921,894, A>G on the plus strand (T>C on the coding strand, the complement: MFSD8 is on the minus strand). VCF-style: chr4-127921894-A-G. GRCh37 (hg19) VCF-style: chr4-128843049-A-G.
Other names: c.867T>C, p.Pro289= (NM_001363520.3); c.753T>C, p.Pro251= (NM_001363521.3); c.933T>C, p.Pro311= (NM_001371590.2); c.1068T>C, p.Pro356= (NM_001371591.2, NM_152778.4); c.1074T>C, p.Pro358= (NM_001371592.2); c.954T>C, p.Pro318= (NM_001371593.2); c.921T>C, p.Pro307= (NM_001371594.2); c.786T>C, p.Pro262= (NM_001371595.1); and 2 more.
Identifiers: ClinVar variation 695524 (VCV000695524.17), dbSNP rs376258320, ClinGen allele CA3077303.